The following is an entry in ClinVar:

NM_001148.6(ANK2):c.132G>A (p.Leu44=)

Gene: ANK2 (ankyrin 2; plus strand). Cytogenetic location: 4q25.
Variant type: single nucleotide variant.
Coding change: c.132G>A on transcript NM_001148.6 (MANE Select); coding-DNA position 132, G replaced by A.
Protein change: p.Leu44=; no amino-acid change (leucine 44 retained).
Molecular consequence: synonymous variant.
Genome position (GRCh38, 1-based): chr4:113,174,463, G>A. VCF-style: chr4-113174463-G-A. GRCh37 (hg19) VCF-style: chr4-114095619-G-A.
Other names: c.69G>A, p.Leu23= (NM_001127493.3, NM_001354239.2, NM_001354243.2 and 33 more transcripts); c.132G>A, p.Leu44= (NM_001354225.2, NM_001354228.2, NM_001354232.2 and 9 more transcripts); c.177G>A, p.Leu59= (NM_001354230.2, NM_001354231.2, NM_001354237.2 and 5 more transcripts); c.114G>A, p.Leu38= (NM_001354261.2, NM_001386147.1, NM_001386160.1); c.120G>A, p.Leu40= (NM_001354269.3, NM_001386148.2, NM_001386186.2 and 1 more transcripts); c.183G>A, p.Leu61= (NM_001386174.1, NM_001386175.1).
Identifiers: ClinVar variation 511351 (VCV000511351.14), dbSNP rs150986299, ClinGen allele CA3049939.

ClinVar aggregate classification (germline): Likely benign. Review status: criteria provided, multiple submitters, no conflicts (2 of 4 stars). 3 submissions from 3 submitters: Likely benign (3). Last evaluated 2020-10-21.

Conditions:
Cardiovascular phenotype. Identifiers: MedGen CN230736.
Long QT syndrome (LQTS). Identifiers: MedGen C0023976, MeSH D008133, MONDO:0002442. Disease mechanism: loss of function. Inheritance: Various modes of inheritance.

Allele frequency attached by ClinVar (database versions not stated): gnomAD exomes 0.00001 and below 0.00001; gnomAD 0.00004 and 0.00003; ExAC 0.00001; ESP Exome Variant Server 0.00008; TOPMed 0.00007.
gnomAD v4.1: 10 of 1,613,112 alleles (0.00062%); highest among the groups gnomAD compares: Middle Eastern, 0.016%; no homozygotes.

Submissions (3):

Labcorp Genetics (formerly Invitae), Labcorp
Classification: Likely benign for Long QT syndrome. Last evaluated: 2020-10-21. Review status: criteria provided, single submitter. Criteria: Invitae Variant Classification Sherloc (09022015). Collection method: clinical testing. Allele origin: germline.

GeneDx
Classification: Likely benign. Last evaluated: 2017-08-08. Review status: criteria provided, single submitter. Criteria: GeneDx Variant Classification (06012015). Collection method: clinical testing. Allele origin: germline. Affected: yes.
Comment: This variant is considered likely benign or benign based on one or more of the following criteria: it is a conservative change, it occurs at a poorly conserved position in the protein, it is predicted to be benign by multiple in silico algorithms, and/or has population frequency not consistent with disease.

Ambry Genetics
Classification: Likely benign for Cardiovascular phenotype. Last evaluated: 2016-11-22. Review status: criteria provided, single submitter. Criteria: Ambry Variant Classification Scheme 2023. Collection method: clinical testing. Allele origin: germline.